The following is an entry in ClinVar:

NM_000179.3(MSH6):c.68C>T (p.Ala23Val)

Gene: MSH6 (mutS homolog 6; plus strand). Cytogenetic location: 2p16.3.
Variant type: single nucleotide variant.
Coding change: c.68C>T on transcript NM_000179.3 (MANE Select); coding-DNA position 68, C replaced by T.
Protein change: p.Ala23Val; replaces alanine 23 with valine.
Molecular consequence: missense variant. On other transcripts: 5 prime UTR variant (1).
Genome position (GRCh38, 1-based): chr2:47,783,301, C>T. VCF-style: chr2-47783301-C-T. GRCh37 (hg19) VCF-style: chr2-48010440-C-T.
Other names: c.68C>T, p.Ala23Val (NM_001281492.2); c.-669C>T (NM_001281493.2); short protein forms A23V.
Identifiers: ClinVar variation 573095 (VCV000573095.17), dbSNP rs1060502912, ClinGen allele CA346734781.

ClinVar aggregate classification (germline): Uncertain significance. Review status: criteria provided, multiple submitters, no conflicts (2 of 4 stars). 4 submissions from 4 submitters: Uncertain significance (4). Last evaluated 2024-08-04.

Conditions:
Hereditary nonpolyposis colorectal neoplasms. Identifiers: MedGen C0009405, MeSH D003123.
Hereditary cancer-predisposing syndrome. Also called: Neoplastic Syndromes, Hereditary; Hereditary Cancer Syndrome; Tumor predisposition; Hereditary neoplastic syndrome. Identifiers: Orphanet 140162, MedGen C0027672, MeSH D009386, MONDO:0015356.

Allele frequency attached by ClinVar (database versions not stated): gnomAD exomes below 0.00001.
gnomAD v4.1: 2 of 1,612,102 alleles (0.00012%); highest among the groups gnomAD compares: Non-Finnish European, 0.00017%; no homozygotes.

Submissions (4):

Labcorp Genetics (formerly Invitae), Labcorp
Classification: Uncertain significance for Hereditary nonpolyposis colorectal neoplasms. Last evaluated: 2024-08-04. Review status: criteria provided, single submitter. Criteria: Invitae Variant Classification Sherloc (09022015). Collection method: clinical testing. Allele origin: germline.
Comment: This sequence change replaces alanine, which is neutral and non-polar, with valine, which is neutral and non-polar, at codon 23 of the MSH6 protein (p.Ala23Val). This variant is not present in population databases (gnomAD no frequency). This variant has not been reported in the literature in individuals affected with MSH6-related conditions. ClinVar contains an entry for this variant (Variation ID: 573095). Advanced modeling of protein sequence and biophysical properties (such as structural, functional, and spatial information, amino acid conservation, physicochemical variation, residue mobility, and thermodynamic stability) performed at Invitae indicates that this missense variant is not expected to disrupt MSH6 protein function with a negative predictive value of 95%. In summary, the available evidence is currently insufficient to determine the role of this variant in disease. Therefore, it has been classified as a Variant of Uncertain Significance.

Color Diagnostics, LLC DBA Color Health
Classification: Uncertain significance for Hereditary cancer-predisposing syndrome. Last evaluated: 2023-12-04. Review status: criteria provided, single submitter. Criteria: ACMG Guidelines, 2015. Collection method: clinical testing. Allele origin: germline.
Comment: This missense variant replaces alanine with valine at codon 23 of the MSH6 protein. Computational prediction suggests that this variant may not impact protein structure and function (internally defined REVEL score threshold <= 0.5, PMID: 27666373). To our knowledge, functional studies have not been reported for this variant. This variant has not been reported in individuals affected with MSH6-related disorders in the literature. This variant has not been identified in the general population by the Genome Aggregation Database (gnomAD). The available evidence is insufficient to determine the role of this variant in disease conclusively. Therefore, this variant is classified as a Variant of Uncertain Significance.

GeneDx
Classification: Uncertain significance. Last evaluated: 2022-09-29. Review status: criteria provided, single submitter. Criteria: GeneDx Variant Classification Process June 2021. Collection method: clinical testing. Allele origin: germline. Affected: yes.
Comment: Not observed in large population cohorts (gnomAD); In silico analysis supports that this missense variant does not alter protein structure/function; Has not been previously published as pathogenic or benign to our knowledge

Ambry Genetics
Classification: Uncertain significance for Hereditary cancer-predisposing syndrome. Last evaluated: 2021-09-01. Review status: criteria provided, single submitter. Criteria: Ambry Variant Classification Scheme 2023. Collection method: clinical testing. Allele origin: germline.
Comment: The p.A23V variant (also known as c.68C>T), located in coding exon 1 of the MSH6 gene, results from a C to T substitution at nucleotide position 68. The alanine at codon 23 is replaced by valine, an amino acid with similar properties. This amino acid position is not well conserved in available vertebrate species. In addition, this alteration is predicted to be tolerated by in silico analysis. Since supporting evidence is limited at this time, the clinical significance of this alteration remains unclear.